The following is an entry in ClinVar:

ClinVar aggregate classification (germline): Likely benign. Review status: criteria provided, multiple submitters, no conflicts (2 of 4 stars). 3 submissions from 3 submitters: Likely benign (3). Last evaluated 2026-05-01.

Conditions:
Early-infantile DEE. Also called: Early infantile epileptic encephalopathy; Ohtahara syndrome; Early infantile epileptic encephalopathy with suppression bursts. Identifiers: Orphanet 1934, MedGen C0393706, MONDO:0800491.

Allele frequency attached by ClinVar (database versions not stated): gnomAD 0.00003; TOPMed 0.00003; ExAC 0.00004; gnomAD exomes 0.00004 and 0.00012; ESP Exome Variant Server 0.00008.
gnomAD v4.1: 184 of 1,613,836 alleles (0.011%); highest among the groups gnomAD compares: Non-Finnish European, 0.015%; no homozygotes.

Submissions (3):

CeGaT Center for Human Genetics Tuebingen
Classification: Likely benign. Last evaluated: 2026-05-01. Review status: criteria provided, single submitter. Criteria: CeGaT Center For Human Genetics Tuebingen Variant Classification Criteria Version 2. Collection method: clinical testing. Allele origin: germline. Affected: yes. Observed: 4 variant alleles.
Comment: SPTAN1: BP4, BP7

Labcorp Genetics (formerly Invitae), Labcorp
Classification: Likely benign for Early-infantile DEE. Last evaluated: 2025-05-15. Review status: criteria provided, single submitter. Criteria: Invitae Variant Classification Sherloc (09022015). Collection method: clinical testing. Allele origin: germline.

GeneDx
Classification: Likely benign. Last evaluated: 2017-03-28. Review status: criteria provided, single submitter. Criteria: GeneDx Variant Classification (06012015). Collection method: clinical testing. Allele origin: germline. Affected: yes.
Comment: This variant is considered likely benign or benign based on one or more of the following criteria: it is a conservative change, it occurs at a poorly conserved position in the protein, it is predicted to be benign by multiple in silico algorithms, and/or has population frequency not consistent with disease.

NM_001130438.3(SPTAN1):c.7128C>T (p.Phe2376=)

Gene: SPTAN1 (spectrin alpha, non-erythrocytic 1; plus strand). Cytogenetic location: 9q34.11.
Variant type: single nucleotide variant.
Coding change: c.7128C>T on transcript NM_001130438.3 (MANE Select); coding-DNA position 7128, C replaced by T.
Protein change: p.Phe2376=; no amino-acid change (phenylalanine 2376 retained).
Molecular consequence: synonymous variant.
Genome position (GRCh38, 1-based): chr9:128,632,686, C>T. VCF-style: chr9-128632686-C-T. GRCh37 (hg19) VCF-style: chr9-131394965-C-T.
Other names: c.7053C>T, p.Phe2351= (NM_001195532.2); c.7191C>T, p.Phe2397= (NM_001363759.2); c.7068C>T, p.Phe2356= (NM_001363765.2); c.7113C>T, p.Phe2371= (NM_003127.4).
Identifiers: ClinVar variation 508495 (VCV000508495.34), dbSNP rs369792563, ClinGen allele CA5266009.